The following is an entry in ClinVar:

ClinVar aggregate classification (germline): Pathogenic (1 of 4 stars; one submission).

Conditions:
Hereditary breast ovarian cancer syndrome. Also called: Hereditary breast and/or ovarian cancer syndrome; Hereditary breast and ovarian cancer; Hereditary breast and ovarian cancer syndrome; Breast and ovarian cancer; Hereditary breast and ovarian cancer syndrome (HBOC); BRCA1- and BRCA2-Associated Hereditary Breast and Ovarian Cancer. Identifiers: Orphanet 145, MedGen C0677776, MeSH D061325, MONDO:0003582. Disease mechanism: loss of function.

Submission:

Labcorp Genetics (formerly Invitae), Labcorp
Classification: Pathogenic for Hereditary breast ovarian cancer syndrome. Last evaluated: 2023-01-31. Review status: criteria provided, single submitter. Criteria: Invitae Variant Classification Sherloc (09022015). Collection method: clinical testing. Allele origin: germline.
Comment: For these reasons, this variant has been classified as Pathogenic. This variant has not been reported in the literature in individuals affected with BRCA1-related conditions. This variant is not present in population databases (gnomAD no frequency). This sequence change creates a premature translational stop signal (p.Ser1139Lysfs*2) in the BRCA1 gene. It is expected to result in an absent or disrupted protein product. Loss-of-function variants in BRCA1 are known to be pathogenic (PMID: 20104584).

Literature cited by the submitters: PubMed 20104584.

NM_007294.4(BRCA1):c.3415dup (p.Ser1139fs)

Genes: BRCA1 (BRCA1 DNA repair associated; minus strand), LOC126862571 (BRD4-independent group 4 enhancer GRCh37_chr17:41243136-41244335; plus strand). Cytogenetic location: 17q21.31.
Variant type: Duplication.
Coding change: c.3415dup on transcript NM_007294.4 (MANE Select); coding-DNA position 3415, one base duplicated (A; older notation c.3415dupA).
Protein change: p.Ser1139fs; shifts the reading frame from serine 1139.
Molecular consequence: frameshift variant. On other transcripts: intron variant (135).
Genome position (GRCh38, 1-based): chr17:43,092,116, T duplicated on the plus strand (A on the coding strand, the reverse complement: BRCA1 is on the minus strand); the first of 2 consecutive T bases (chr17:43,092,116-43,092,117); duplicating either gives the same sequence. VCF-style (leftmost placement, unchanged base first): chr17-43092115-C-CT. GRCh37 (hg19) VCF-style: chr17-41244132-C-CT.
Other names: c.3202dup, p.Ser1068fs (NM_001407894.1, NM_001407895.1, NM_001407896.1 and 9 more transcripts); c.3205dup, p.Ser1069fs (NM_001407900.1, NM_001407904.1, NM_001407906.1 and 13 more transcripts); c.3415dup, p.Ser1139fs (NM_001407581.1, NM_001407582.1, NM_001407583.1 and 30 more transcripts); c.3412dup, p.Ser1138fs (NM_001407587.1, NM_001407590.1, NM_001407591.1 and 22 more transcripts); c.3406dup, p.Ser1136fs (NM_001407646.1, NM_001407647.1); c.3292dup, p.Ser1098fs (NM_001407648.1, NM_001407664.1, NM_001407665.1 and 19 more transcripts); c.3289dup, p.Ser1097fs (NM_001407649.1, NM_001407670.1, NM_001407671.1 and 11 more transcripts); c.3337dup, p.Ser1113fs (NM_001407653.1, NM_001407654.1, NM_001407655.1 and 4 more transcripts); and 41 more; short protein forms S1011fs, S1028fs, S1051fs, S1068fs, S1071fs, S1092fs, S1139fs, S271fs.
Identifiers: ClinVar variation 2827172 (VCV002827172.3), dbSNP rs2552150484, ClinGen allele CA2739265625.